The following is an entry in ClinVar:

NM_001363711.2(DUOX2):c.2335-2A>T

Gene: DUOX2 (dual oxidase 2; minus strand). Cytogenetic location: 15q21.1.
Variant type: single nucleotide variant.
Coding change: c.2335-2A>T on transcript NM_001363711.2 (MANE Select); the canonical splice acceptor site of the intron before coding-DNA position 2335, A replaced by T.
Molecular consequence: splice acceptor variant.
Genome position (GRCh38, 1-based): chr15:45,104,367, T>A on the plus strand (A>T on the coding strand, the complement: DUOX2 is on the minus strand). VCF-style: chr15-45104367-T-A. GRCh37 (hg19) VCF-style: chr15-45396565-T-A.
Other names: c.2335-2A>T (NM_014080.5).
Identifiers: ClinVar variation 2906557 (VCV002906557.3), dbSNP rs765878448, ClinGen allele CA7538278.

ClinVar aggregate classification (germline): Pathogenic (1 of 4 stars; one submission).

Allele frequency attached by ClinVar (database versions not stated): ExAC 0.00001.
gnomAD v4.1: 4 of 1,613,244 alleles (0.00025%); highest among the groups gnomAD compares: Non-Finnish European, 0.00034%; no homozygotes.

Submission:

Labcorp Genetics (formerly Invitae), Labcorp
Classification: Pathogenic. Last evaluated: 2023-04-25. Review status: criteria provided, single submitter. Criteria: Invitae Variant Classification Sherloc (09022015). Collection method: clinical testing. Allele origin: germline.
Comment: For these reasons, this variant has been classified as Pathogenic. Studies have shown that disruption of this splice site is associated with altered splicing resulting in unknown protein product impact (PMID: 26506010). Disruption of this splice site has been observed in individual(s) with congenital hypothyroidism (PMID: 24423310, 26506010). In at least one individual the data is consistent with being in trans (on the opposite chromosome) from a pathogenic variant. The frequency data for this variant in the population databases is considered unreliable, as metrics indicate poor data quality at this position in the gnomAD database. This sequence change affects an acceptor splice site in intron 18 of the DUOX2 gene. It is expected to disrupt RNA splicing. Variants that disrupt the donor or acceptor splice site typically lead to a loss of protein function (PMID: 16199547), and loss-of-function variants in DUOX2 are known to be pathogenic (PMID: 12110737, 18765513, 21565790, 24423310, 24735383).

Literature cited by the submitters: PubMed 26506010; PubMed 24423310; PubMed 16199547; PubMed 12110737; PubMed 18765513; PubMed 21565790; PubMed 24735383.